The following is an entry in ClinVar:

NM_001352027.3(PHF21A):c.198A>G (p.Gln66=)

Gene: PHF21A (PHD finger protein 21A; minus strand). Cytogenetic location: 11p11.2.
Variant type: single nucleotide variant.
Coding change: c.198A>G on transcript NM_001352027.3 (MANE Select); coding-DNA position 198, A replaced by G.
Protein change: p.Gln66=; no amino-acid change (glutamine 66 retained).
Molecular consequence: synonymous variant. On other transcripts: non-coding transcript variant (2).
Genome position (GRCh38, 1-based): chr11:45,979,922, T>C on the plus strand (A>G on the coding strand, the complement: PHF21A is on the minus strand). VCF-style: chr11-45979922-T-C. GRCh37 (hg19) VCF-style: chr11-46001473-T-C.
Other names: c.198A>G, p.Gln66= (NM_001101802.3, NM_001352025.3, NM_001352026.3 and 6 more transcripts).
Identifiers: ClinVar variation 3341835 (VCV003341835.16).
Genomic context (GRCh38, chr11:45,979,922, plus strand): 5'-TGTTTGTAGTTTGTTTTCAGATTGTGGCAATGGCTGTATTTGGAACTTGTCCGGTTGTTC[T>C]TGCTTTACTATCAGGTTCTTCCGTAGCTGTTCAACTACTCTTTTCTACCAAATGAAGACA-3'
Protein context (NP_001338956.1, residues 56-76): EQLRKNLIVK[Gln66=]EQPDKFQIQP

ClinVar aggregate classification (germline): Likely benign (1 of 4 stars; one submission).

gnomAD v4.1: 2 of 1,614,114 alleles (0.00012%); highest among the groups gnomAD compares: African/African-American, 0.0013%; no homozygotes.

Submission:

CeGaT Center for Human Genetics Tuebingen
Classification: Likely benign. Last evaluated: 2024-08-01. Review status: criteria provided, single submitter. Criteria: CeGaT Center For Human Genetics Tuebingen Variant Classification Criteria Version 2. Collection method: clinical testing. Allele origin: germline. Affected: yes. Observed: 1 variant allele.
Comment: PHF21A: BP4, BP7